The following is an entry in ClinVar:

ClinVar aggregate classification (germline): Uncertain significance. Review status: criteria provided, multiple submitters, no conflicts (2 of 4 stars). 2 submissions from 2 submitters: Uncertain significance (2). Last evaluated 2025-09-20.

Conditions:
Inborn genetic diseases. Identifiers: MedGen C0950123, MeSH D030342.

Submissions (2):

Ambry Genetics
Classification: Uncertain significance for Inborn genetic diseases. Last evaluated: 2025-09-20. Review status: criteria provided, single submitter. Criteria: Ambry Variant Classification Scheme 2023. Collection method: clinical testing. Allele origin: germline.
Comment: The p.G404V variant (also known as c.1211G>T), located in coding exon 7 of the FANCM gene, results from a G to T substitution at nucleotide position 1211. The glycine at codon 404 is replaced by valine, an amino acid with dissimilar properties. This amino acid position is conserved. In addition, this alteration is predicted to be tolerated by in silico analysis. Based on the available evidence, the clinical significance of this variant remains unclear.

Revvity Omics, Revvity
Classification: Uncertain significance. Last evaluated: 2019-07-05. Review status: criteria provided, single submitter. Criteria: ACMG Guidelines, 2015. Collection method: clinical testing. Allele origin: germline.

NM_020937.4(FANCM):c.1211G>T (p.Gly404Val)

Gene: FANCM (FA complementation group M; plus strand). Cytogenetic location: 14q21.2.
Variant type: single nucleotide variant.
Coding change: c.1211G>T on transcript NM_020937.4 (MANE Select); coding-DNA position 1211, G replaced by T.
Protein change: p.Gly404Val; replaces glycine 404 with valine.
Molecular consequence: missense variant.
Genome position (GRCh38, 1-based): chr14:45,154,724, G>T. VCF-style: chr14-45154724-G-T. GRCh37 (hg19) VCF-style: chr14-45623927-G-T.
Other names: c.1133G>T, p.Gly378Val (NM_001308133.2); c.1211G>T, p.Gly404Val (NM_001308134.2); short protein forms G378V, G404V.
Identifiers: ClinVar variation 2441353 (VCV002441353.4), dbSNP rs1887059427, ClinGen allele CA389591147.